The following is an entry in ClinVar:

ClinVar aggregate classification (germline): Uncertain significance (1 of 4 stars; one submission).

Conditions:
Hereditary cancer-predisposing syndrome. Also called: Tumor predisposition; Neoplastic Syndromes, Hereditary; Hereditary neoplastic syndrome; Hereditary Cancer Syndrome. Identifiers: Orphanet 140162, MedGen C0027672, MeSH D009386, MONDO:0015356.

Submission:

Ambry Genetics
Classification: Uncertain significance for Hereditary cancer-predisposing syndrome. Last evaluated: 2025-09-01. Review status: criteria provided, single submitter. Criteria: Ambry Variant Classification Scheme 2023. Collection method: clinical testing. Allele origin: germline.
Comment: The p.G396C variant (also known as c.1186G>T) is located in coding exon 8 of the MEN1 gene. The glycine at codon 396 is replaced by cysteine, an amino acid with highly dissimilar properties. This change occurs in the first base pair of coding exon 8. This amino acid position is conserved. In addition, the in silico prediction for this alteration is inconclusive. Based on the available evidence, the clinical significance of this variant remains unclear.

NM_001370259.2(MEN1):c.1186G>T (p.Gly396Cys)

Gene: MEN1 (menin 1; minus strand). Cytogenetic location: 11q13.1.
Variant type: single nucleotide variant.
Coding change: c.1186G>T on transcript NM_001370259.2 (MANE Select); coding-DNA position 1186, G replaced by T.
Protein change: p.Gly396Cys; replaces glycine 396 with cysteine.
Molecular consequence: missense variant. On other transcripts: non-coding transcript variant (4), intron variant (1).
Genome position (GRCh38, 1-based): chr11:64,805,198, C>A on the plus strand (G>T on the coding strand, the complement: MEN1 is on the minus strand). VCF-style: chr11-64805198-C-A. GRCh37 (hg19) VCF-style: chr11-64572670-C-A.
Other names: c.1201G>T, p.Gly401Cys (NM_000244.4, NM_001407145.1, NM_130802.3 and 4 more transcripts); c.1312G>T, p.Gly438Cys (NM_001370251.2, NM_001407142.1, NM_001407143.1 and 1 more transcripts); c.1186G>T, p.Gly396Cys (NM_001370260.2, NM_001370261.2, NM_001407146.1 and 2 more transcripts); c.1081G>T, p.Gly361Cys (NM_001370262.2, NM_001370263.2, NM_001407148.1 and 1 more transcripts); c.1186-382G>T (NM_001407152.1); c.1327G>T, p.Gly443Cys (NM_001407150.1); c.1207G>T, p.Gly403Cys (NM_001407151.1); short protein forms G396C, G401C, G443C, G361C, G403C, G438C.
Identifiers: ClinVar variation 4106581 (VCV004106581.1).